The following is an entry in ClinVar:

NM_004525.3(LRP2):c.1093C>T (p.Arg365Ter)

Gene: LRP2 (LDL receptor related protein 2; minus strand). Cytogenetic location: 2q31.1.
Variant type: single nucleotide variant.
Coding change: c.1093C>T on transcript NM_004525.3 (MANE Select); coding-DNA position 1093, C replaced by T.
Protein change: p.Arg365Ter; replaces arginine 365 with a stop codon.
Molecular consequence: nonsense.
Genome position (GRCh38, 1-based): chr2:169,282,951, G>A on the plus strand (C>T on the coding strand, the complement: LRP2 is on the minus strand). VCF-style: chr2-169282951-G-A. GRCh37 (hg19) VCF-style: chr2-170139461-G-A.
Other names: short protein forms R365*.
Identifiers: ClinVar variation 9457 (VCV000009457.12), dbSNP rs80338744, ClinGen allele CA340917.

ClinVar aggregate classification (germline): Pathogenic. Review status: criteria provided, multiple submitters, no conflicts (2 of 4 stars). 7 submissions from 7 submitters: Pathogenic (5). 2 of the submissions do not count toward it. Last evaluated 2026-08-10.

Conditions:
Inborn genetic diseases. Identifiers: MedGen C0950123, MeSH D030342.
Donnai-Barrow syndrome. Also called: FACIOOCULOACOUSTICORENAL SYNDROME; DBS/FOAR SYNDROME. Identifiers: Orphanet 2143, MedGen C1857277, MONDO:0009104, OMIM 222448.

Allele frequency attached by ClinVar (database versions not stated): gnomAD exomes 0.00001.
gnomAD v4.1: 16 of 1,614,022 alleles (0.00099%); highest among the groups gnomAD compares: Non-Finnish European, 0.0014%; no homozygotes.

Submissions (7):

Ambry Genetics
Classification: Pathogenic for Inborn genetic diseases. Last evaluated: 2026-08-10. Review status: criteria provided, single submitter. Criteria: Ambry Variant Classification Scheme 2023. Collection method: clinical testing. Allele origin: germline.
Comment: The c.1093C>T (p.R365*) alteration, located in exon 10 (coding exon 10) of the LRP2 gene, consists of a C to T substitution at nucleotide position 1093. This changes the amino acid from a arginine (R) to a stop codon at amino acid position 365. This variant is expected to result in loss of function by premature protein truncation or nonsense-mediated mRNA decay. This variant was not reported in population-based cohorts in the Genome Aggregation Database (gnomAD). This variant has been identified in the homozygous state and/or in conjunction with other LRP2 variant(s) in individual(s) with features consistent with Donnai-Barrow syndrome ; in at least one instance, the variants were identified in trans (Kantarci, 2007). Based on the available evidence, this alteration is classified as pathogenic.

Labcorp Genetics (formerly Invitae), Labcorp
Classification: Pathogenic. Last evaluated: 2026-01-14. Review status: criteria provided, single submitter. Criteria: Invitae Variant Classification Sherloc (09022015). Collection method: clinical testing. Allele origin: germline.
Comment: This sequence change creates a premature translational stop signal (p.Arg365*) in the LRP2 gene. It is expected to result in an absent or disrupted protein product. Loss-of-function variants in LRP2 are known to be pathogenic (PMID: 17632512, 25682901). This variant is not present in population databases (gnomAD no frequency). This premature translational stop signal has been observed in individual(s) with Donnai-Barrow syndrome (PMID: 17632512, 25682901). ClinVar contains an entry for this variant (Variation ID: 9457). For these reasons, this variant has been classified as Pathogenic.

Myriad Genetics, Inc.
Classification: Pathogenic for Donnai-Barrow syndrome. Last evaluated: 2024-08-23. Review status: criteria provided, single submitter. Criteria: Myriad Autosomal Dominant, Autosomal Recessive and X-Linked Classification Criteria (2023). Collection method: clinical testing. Allele origin: unknown.
Comment: NM_004525.2(LRP2):c.1093C>T(R365*) is expected to be pathogenic in the context of Donnai-Barrow syndrome. This variant is predicted to lead to an abnormal or absent protein product due to the creation of a premature termination codon in LRP2, a gene where loss-of-function variants are known to be pathogenic. Please note: this variant was assessed in the context of healthy population screening.

Fulgent Genetics
Classification: Pathogenic for Donnai-Barrow syndrome. Last evaluated: 2024-05-20. Review status: criteria provided, single submitter. Criteria: ACMG Guidelines, 2015. Collection method: clinical testing. Allele origin: germline.

GeneDx
Classification: Pathogenic. Last evaluated: 2022-04-22. Review status: criteria provided, single submitter. Criteria: GeneDx Variant Classification Process June 2021. Collection method: clinical testing. Allele origin: germline. Affected: yes.
Comment: Nonsense variant predicted to result in protein truncation or nonsense mediated decay in a gene for which loss of function is a known mechanism of disease; Not observed at significant frequency in large population cohorts (gnomAD); This variant is associated with the following publications: (PMID: 25525159, 9475100, 30029678, 25682901, 33403612, 19089858, 31452935, 29779033, 17632512)

OMIM
Classification: Pathogenic for DONNAI-BARROW SYNDROME. Last evaluated: 2007-08-01. Review status: no assertion criteria provided. Collection method: literature only. Allele origin: germline. Not counted in ClinVar's aggregate classification.

GeneReviews
No classification provided. Condition: Donnai-Barrow syndrome. Review status: no classification provided. Collection method: literature only. Allele origin: unknown. Not counted in ClinVar's aggregate classification.

Literature cited by the submitters: PubMed 17632512 (cited by 4 submitters); PubMed 25682901 (cited by Labcorp Genetics (formerly Invitae), Labcorp); PubMed 9475100 (cited by OMIM and GeneReviews); PubMed 20301732 (cited by GeneReviews); NCBI Bookshelf NBK1878 (cited by GeneReviews).